The following is an entry in ClinVar:

NM_172240.3(POC1B):c.1241G>T (p.Ser414Ile)

Genes: POC1B (POC1 centriolar protein B; minus strand), POC1B-DUSP6 (POC1B-DUSP6 readthrough; minus strand). Cytogenetic location: 12q21.33.
Variant type: single nucleotide variant.
Coding change: c.1241G>T on transcript NM_172240.3 (MANE Select); coding-DNA position 1241, G replaced by T.
Protein change: p.Ser414Ile; replaces serine 414 with isoleucine.
Molecular consequence: missense variant. On other transcripts: non-coding transcript variant (2).
Genome position (GRCh38, 1-based): chr12:89,425,252, C>A on the plus strand (G>T on the coding strand, the complement: POC1B is on the minus strand). VCF-style: chr12-89425252-C-A. GRCh37 (hg19) VCF-style: chr12-89819029-C-A.
Other names: c.1115G>T, p.Ser372Ile (NM_001199777.2); short protein forms S414I, S372I.
Identifiers: ClinVar variation 972427 (VCV000972427.9), dbSNP rs1321325953, ClinGen allele CA385985503.

ClinVar aggregate classification (germline): Uncertain significance (1 of 4 stars; one submission).

Allele frequency attached by ClinVar (database versions not stated): gnomAD exomes below 0.00001; TOPMed below 0.00001; gnomAD 0.00001.
gnomAD v4.1: 3 of 1,613,988 alleles (0.00019%); highest among the groups gnomAD compares: Non-Finnish European, 0.00025%; no homozygotes.

Submission:

Labcorp Genetics (formerly Invitae), Labcorp
Classification: Uncertain significance. Last evaluated: 2020-02-04. Review status: criteria provided, single submitter. Criteria: Invitae Variant Classification Sherloc (09022015). Collection method: clinical testing. Allele origin: germline.
Comment: In summary, the available evidence is currently insufficient to determine the role of this variant in disease. Therefore, it has been classified as a Variant of Uncertain Significance. Algorithms developed to predict the effect of missense changes on protein structure and function (SIFT, PolyPhen-2, Align-GVGD) all suggest that this variant is likely to be tolerated, but these predictions have not been confirmed by published functional studies and their clinical significance is uncertain. This variant has not been reported in the literature in individuals with POC1B-related conditions. This variant is not present in population databases (ExAC no frequency). This sequence change replaces serine with isoleucine at codon 414 of the POC1B protein (p.Ser414Ile). The serine residue is moderately conserved and there is a large physicochemical difference between serine and isoleucine.